The following is an entry in ClinVar:

NM_001377.3(DYNC2H1):c.11904C>T (p.Ser3968=)

Gene: DYNC2H1 (dynein cytoplasmic 2 heavy chain 1; plus strand). Cytogenetic location: 11q22.3.
Variant type: single nucleotide variant.
Coding change: c.11904C>T on transcript NM_001377.3 (MANE Select); coding-DNA position 11904, C replaced by T.
Protein change: p.Ser3968=; no amino-acid change (serine 3968 retained).
Molecular consequence: synonymous variant.
Genome position (GRCh38, 1-based): chr11:103,321,207, C>T. VCF-style: chr11-103321207-C-T. GRCh37 (hg19) VCF-style: chr11-103191936-C-T.
Other names: c.11925C>T, p.Ser3975= (NM_001080463.2).
Identifiers: ClinVar variation 700095 (VCV000700095.14), dbSNP rs767613863, ClinGen allele CA6255392.
Genomic context (GRCh38, chr11:103,321,207, plus strand): 5'-TAATTCTTCAGTTATTGATGTATTCAACCAAAGGAACAAGAAAAGCATTTTTCCATATTC[C>T]GTATCTCTACCACAATCCTGCAGCATTTTGGTAGGTAAAATGAATGATTTTCAATCTATT-3'
Protein context (NP_001368.2, residues 3958-3978): QRNKKSIFPY[Ser3968=]VSLPQSCSIL

ClinVar aggregate classification (germline): Benign/Likely benign. Review status: criteria provided, multiple submitters, no conflicts (2 of 4 stars). 3 submissions from 3 submitters: Benign (1); Likely benign (2). Last evaluated 2026-06-01.

Conditions:
Jeune thoracic dystrophy. Also called: Jeune syndrome; Infantile thoracic dystrophy; Thoracic pelvic phalangeal dystrophy; Jeune's syndrome; Chondroectodermal dysplasia-like syndrome; Short-rib thoracic dysplasia. Identifiers: Orphanet 474, MedGen C0265275, MONDO:0018770.

Allele frequency attached by ClinVar (database versions not stated): gnomAD exomes 0.00008 and 0.00038; gnomAD 0.00014; TOPMed 0.00034; ExAC 0.00035.
gnomAD v4.1: 135 of 1,609,562 alleles (0.0084%); highest among the groups gnomAD compares: Admixed American, 0.19%; 1 homozygote.

Submissions (3):

CeGaT Center for Human Genetics Tuebingen
Classification: Likely benign. Last evaluated: 2026-06-01. Review status: criteria provided, single submitter. Criteria: CeGaT Center For Human Genetics Tuebingen Variant Classification Criteria Version 2. Collection method: clinical testing. Allele origin: germline. Affected: yes. Observed: 2 variant alleles.
Comment: DYNC2H1: BP4, BP7

Labcorp Genetics (formerly Invitae), Labcorp
Classification: Benign for Jeune thoracic dystrophy. Last evaluated: 2026-01-18. Review status: criteria provided, single submitter. Criteria: Invitae Variant Classification Sherloc (09022015). Collection method: clinical testing. Allele origin: germline.

Blueprint Genetics
Classification: Likely benign. Last evaluated: 2022-04-29. Review status: criteria provided, single submitter. Criteria: ACMG Guidelines, 2015. Collection method: clinical testing. Allele origin: germline.